The following is an entry in ClinVar:

ClinVar aggregate classification (germline): Uncertain significance (1 of 4 stars; one submission).

Conditions:
Hereditary spastic paraplegia 48. Also called: SPASTIC PARAPLEGIA 48, AUTOSOMAL RECESSIVE; Spastic paraplegia 48. Identifiers: Orphanet 306511, MedGen C3150901, MONDO:0013342, OMIM 613647.

Allele frequency attached by ClinVar (database versions not stated): TOPMed 0.00001; ExAC 0.00004; gnomAD exomes 0.00004.
gnomAD v4.1: 44 of 1,612,740 alleles (0.0027%); highest among the groups gnomAD compares: Middle Eastern, 0.016%; no homozygotes.

Submission:

Labcorp Genetics (formerly Invitae), Labcorp
Classification: Uncertain significance for Hereditary spastic paraplegia 48. Last evaluated: 2022-09-30. Review status: criteria provided, single submitter. Criteria: Invitae Variant Classification Sherloc (09022015). Collection method: clinical testing. Allele origin: germline.
Comment: This sequence change replaces threonine, which is neutral and polar, with arginine, which is basic and polar, at codon 769 of the AP5Z1 protein (p.Thr769Arg). This variant is present in population databases (rs757790495, gnomAD 0.008%). This variant has not been reported in the literature in individuals affected with AP5Z1-related conditions. ClinVar contains an entry for this variant (Variation ID: 1430412). Advanced modeling of protein sequence and biophysical properties (such as structural, functional, and spatial information, amino acid conservation, physicochemical variation, residue mobility, and thermodynamic stability) performed at Invitae indicates that this missense variant is not expected to disrupt AP5Z1 protein function. Algorithms developed to predict the effect of sequence changes on RNA splicing suggest that this variant may create or strengthen a splice site. In summary, the available evidence is currently insufficient to determine the role of this variant in disease. Therefore, it has been classified as a Variant of Uncertain Significance.

NM_014855.3(AP5Z1):c.2306C>G (p.Thr769Arg)

Gene: AP5Z1 (adaptor related protein complex 5 subunit zeta 1; plus strand). Cytogenetic location: 7p22.1.
Variant type: single nucleotide variant.
Coding change: c.2306C>G on transcript NM_014855.3 (MANE Select); coding-DNA position 2306, C replaced by G.
Protein change: p.Thr769Arg; replaces threonine 769 with arginine.
Molecular consequence: missense variant. On other transcripts: non-coding transcript variant (1).
Genome position (GRCh38, 1-based): chr7:4,791,267, C>G. VCF-style: chr7-4791267-C-G. GRCh37 (hg19) VCF-style: chr7-4830898-C-G.
Other names: c.1838C>G, p.Thr613Arg (NM_001364858.1); short protein forms T769R, T613R.
Identifiers: ClinVar variation 1430412 (VCV001430412.3), dbSNP rs757790495, ClinGen allele CA4138424.
Genomic context (GRCh38, chr7:4,791,267, plus strand): 5'-CCCGGGCCACAGAGCTGCTGACCCTGCTGAAGATGCCTAGCGTGGCCCAGTTTGTGCTCA[C>G]ACCCAGCACGGAGGTGTGCAGCCCCCGCTATCACCGCGATGCCAACACGGCCCTGCCCCT-3'
Protein context (NP_055670.1, residues 759-779): KMPSVAQFVL[Thr769Arg]PSTEVCSPRY